The following is an entry in ClinVar:

NM_004407.4(DMP1):c.815G>A (p.Arg272His)

Genes: DMP1 (dentin matrix acidic phosphoprotein 1; plus strand), DMP1-AS1 (DMP1 and DSPP antisense RNA 1; minus strand). Cytogenetic location: 4q22.1.
Variant type: single nucleotide variant.
Coding change: c.815G>A on transcript NM_004407.4 (MANE Select); coding-DNA position 815, G replaced by A.
Protein change: p.Arg272His; replaces arginine 272 with histidine.
Molecular consequence: missense variant.
Genome position (GRCh38, 1-based): chr4:87,662,593, G>A. VCF-style: chr4-87662593-G-A. GRCh37 (hg19) VCF-style: chr4-88583745-G-A.
Other names: c.767G>A, p.Arg256His (NM_001079911.3); short protein forms R272H, R256H.
Identifiers: ClinVar variation 349978 (VCV000349978.50), dbSNP rs145237146, ClinGen allele CA3002094.
Genomic context (GRCh38, chr4:87,662,593, plus strand): 5'-AAGATTCAGGTGGCAGCCAATTGCTGGAGCATCCCAGTAGGAAAATTTTTAGGAAGTCTC[G>A]CATCTCAGAGGAAGATGACAGAAGCGAGCTTGATGACAACAACACAATGGAAGAAGTCAA-3'
Protein context (NP_004398.1, residues 262-282): HPSRKIFRKS[Arg272His]ISEEDDRSEL

ClinVar aggregate classification (germline): Conflicting classifications of pathogenicity. Review status: criteria provided, conflicting classifications (1 of 4 stars). 11 submissions from 11 submitters: Uncertain significance (4); Benign (3); Likely benign (2). 2 of the submissions do not count toward it. Last evaluated 2026-01-26.

Conditions:
DMP1-related disorder. Also called: DMP1-related condition.
Hypophosphatemic rickets, autosomal recessive, 1 (ARHR1). Also called: HYPOPHOSPHATEMIA, AUTOSOMAL RECESSIVE. Identifiers: Orphanet 289176, MedGen C4551495, MONDO:0009430, OMIM 241520. Disease mechanism: loss of function.

Allele frequency attached by ClinVar (database versions not stated): 1000 Genomes Project 0.00120; 1000 Genomes Project 30x 0.00125; ExAC 0.00182; TOPMed 0.00183; gnomAD exomes 0.00194; gnomAD 0.00198 and 0.00202; ESP Exome Variant Server 0.00223.
gnomAD v4.1: 3,112 of 1,614,046 alleles (0.19%); highest among the groups gnomAD compares: Middle Eastern, 0.68%; 5 homozygotes.

Submissions (11):

Labcorp Genetics (formerly Invitae), Labcorp
Classification: Benign. Last evaluated: 2026-01-26. Review status: criteria provided, single submitter. Criteria: Invitae Variant Classification Sherloc (09022015). Collection method: clinical testing. Allele origin: germline.

GeneDx
Classification: Uncertain significance. Last evaluated: 2026-01-25. Review status: criteria provided, single submitter. Criteria: GeneDx Variant Classification Process June 2021. Collection method: clinical testing. Allele origin: germline.
Comment: In silico analysis supports that this missense variant has a deleterious effect on protein structure/function; Has not been previously published as pathogenic or benign to our knowledge

Genomic Medicine Center of Excellence, King Faisal Specialist Hospital and Research Centre
Classification: Benign for Hypophosphatemic rickets, autosomal recessive, 1. Last evaluated: 2025-09-10. Review status: criteria provided, single submitter. Criteria: ACMG Guidelines, 2015. Collection method: clinical testing. Allele origin: germline.

Mayo Clinic Laboratories, Mayo Clinic
Classification: Benign. Last evaluated: 2025-04-08. Review status: criteria provided, single submitter. Criteria: ACMG Guidelines, 2015. Collection method: clinical testing. Allele origin: germline. Observed: 3 variant alleles.
Comment: BS1, BS2, BP4_strong

Blueprint Genetics
Classification: Likely benign. Last evaluated: 2024-11-21. Review status: criteria provided, single submitter. Criteria: ACMG Guidelines, 2015. Collection method: clinical testing. Allele origin: germline.

CeGaT Center for Human Genetics Tuebingen
Classification: Likely benign. Last evaluated: 2023-02-01. Review status: criteria provided, single submitter. Criteria: CeGaT Center For Human Genetics Tuebingen Variant Classification Criteria Version 2. Collection method: clinical testing. Allele origin: germline. Affected: yes. Observed: 3 variant alleles.
Comment: DMP1: BP4, BS2

Fulgent Genetics
Classification: Uncertain significance for Hypophosphatemic rickets, autosomal recessive, 1. Last evaluated: 2018-10-31. Review status: criteria provided, single submitter. Criteria: ACMG Guidelines, 2015. Collection method: clinical testing. Allele origin: unknown.

Illumina Laboratory Services, Illumina
Classification: Uncertain significance for Hypophosphatemic rickets, autosomal recessive, 1. Last evaluated: 2018-01-12. Review status: criteria provided, single submitter. Criteria: ICSL Variant Classification Criteria 13 December 2019. Collection method: clinical testing. Allele origin: germline.

Eurofins Ntd Llc (ga)
Classification: Uncertain significance. Last evaluated: 2017-01-26. Review status: criteria provided, single submitter. Criteria: EGL Classification Definitions 2015. Collection method: clinical testing. Allele origin: germline. Observed: 1 variant allele, 1 heterozygote.

PreventionGenetics, part of Exact Sciences
Classification: Likely benign for DMP1-related condition. Last evaluated: 2022-10-18. Review status: no assertion criteria provided. Collection method: clinical testing. Allele origin: germline. Not counted in ClinVar's aggregate classification.
Comment: This variant is classified as likely benign based on ACMG/AMP sequence variant interpretation guidelines (Richards et al. 2015 PMID: 25741868, with internal and published modifications).

Department of Pathology and Laboratory Medicine, Sinai Health System
Classification: Likely benign. Review status: no assertion criteria provided. Collection method: clinical testing. Allele origin: unknown. Affected: yes. Study: The Canadian Open Genetics Repository (COGR). Not counted in ClinVar's aggregate classification.
Comment: The DMP1 p.Arg272His variant was not identified in the literature nor was it identified in LOVD 3.0. The variant was identified in dbSNP (ID: rs145237146) and ClinVar (classified as uncertain significance by Illumina, EGL Genetic Diagnostics and Fulgent Genetics, and as benign by Invitae). The variant was identified in control databases in 531 of 281746 chromosomes (1 homozygous) at a frequency of 0.001885 increasing the likelihood this could be a low frequency benign variant (Genome Aggregation Database March 6, 2019, v2.1.1). The variant was observed in the following populations: Latino in 145 of 35372 chromosomes (freq: 0.004099), Other in 21 of 7198 chromosomes (freq: 0.002917), European (non-Finnish) in 330 of 128426 chromosomes (freq: 0.00257), Ashkenazi Jewish in 14 of 10324 chromosomes (freq: 0.001356), African in 8 of 24814 chromosomes (freq: 0.000322), South Asian in 9 of 30580 chromosomes (freq: 0.000294), European (Finnish) in 3 of 25114 chromosomes (freq: 0.00012), and East Asian in 1 of 19918 chromosomes (freq: 0.00005). The p.Arg272 residue is not conserved in mammals and computational analyses (PolyPhen-2, SIFT, AlignGVGD, BLOSUM, MutationTaster) do not suggest a high likelihood of impact to the protein; however, this information is not predictive enough to rule out pathogenicity. The variant occurs outside of the splicing consensus sequence and in silico or computational prediction software programs (SpliceSiteFinder, MaxEntScan, NNSPLICE, GeneSplicer) do not predict a difference in splicing. In summary, based on the above information the clinical significance of this variant cannot be determined with certainty at this time although we would lean towards a more benign role for this variant. This variant is classified as likely benign.